The following is an entry in ClinVar:

ClinVar aggregate classification (germline): Uncertain significance (1 of 4 stars; one submission).

Conditions:
Primary ciliary dyskinesia. Also called: Ciliary dyskinesia. Identifiers: Orphanet 244, MedGen C0008780, MONDO:0016575, HP:0012265.

Allele frequency attached by ClinVar (database versions not stated): gnomAD exomes below 0.00001 and 0.00001; TOPMed 0.00001.
gnomAD v4.1: 9 of 1,614,092 alleles (0.00056%); highest among the groups gnomAD compares: South Asian, 0.0066%; 1 homozygote.

Submission:

Labcorp Genetics (formerly Invitae), Labcorp
Classification: Uncertain significance for Primary ciliary dyskinesia. Last evaluated: 2021-09-01. Review status: criteria provided, single submitter. Criteria: Invitae Variant Classification Sherloc (09022015). Collection method: clinical testing. Allele origin: germline.
Comment: This sequence change replaces glutamic acid with lysine at codon 771 of the DNAH5 protein (p.Glu771Lys). The glutamic acid residue is highly conserved and there is a small physicochemical difference between glutamic acid and lysine. This variant is not present in population databases (ExAC no frequency). This variant has not been reported in the literature in individuals affected with DNAH5-related conditions. Algorithms developed to predict the effect of missense changes on protein structure and function are either unavailable or do not agree on the potential impact of this missense change (SIFT: "Tolerated"; PolyPhen-2: "Possibly Damaging"; Align-GVGD: "Class C0"). In summary, the available evidence is currently insufficient to determine the role of this variant in disease. Therefore, it has been classified as a Variant of Uncertain Significance.

NM_001369.3(DNAH5):c.2311G>A (p.Glu771Lys)

Genes: DNAH5 (dynein axonemal heavy chain 5; minus strand), DNAH5-AS1 (DNAH5 antisense RNA 1; plus strand). Cytogenetic location: 5p15.2.
Variant type: single nucleotide variant.
Coding change: c.2311G>A on transcript NM_001369.3 (MANE Select); coding-DNA position 2311, G replaced by A.
Protein change: p.Glu771Lys; replaces glutamic acid 771 with lysine.
Molecular consequence: missense variant.
Genome position (GRCh38, 1-based): chr5:13,894,770, C>T on the plus strand (G>A on the coding strand, the complement: DNAH5 is on the minus strand). VCF-style: chr5-13894770-C-T. GRCh37 (hg19) VCF-style: chr5-13894879-C-T.
Other names: short protein forms E771K.
Identifiers: ClinVar variation 969156 (VCV000969156.6), dbSNP rs1216239202, ClinGen allele CA359201073.
Genomic context (GRCh38, chr5:13,894,770, plus strand): 5'-CAGCCAAGCCAGGTTGGAGAGCTTCATCCACTTTGGCCAAGTGAGGGACAATCAATTGCT[C>T]AATGGCAGCAGGTATTTTTGACTTCACTCTCTGATATTCAGCTAGCATCATCTGCAATGA-3'
Protein context (NP_001360.1, residues 761-781): RVKSKIPAAI[Glu771Lys]QLIVPHLAKV